The following is an entry in ClinVar:

ClinVar aggregate classification (germline): Uncertain significance (1 of 4 stars; one submission).

Conditions:
Hereditary spastic paraplegia 7 (SPG7). Also called: SPG7-related neurologic disorder; SPASTIC PARAPLEGIA 7, AUTOSOMAL RECESSIVE, WITH OR WITHOUT CEREBELLAR ATAXIA; Spastic paraplegia 7; Hereditary spastic paraplegia Paraplegin type; Autosomal recessive spastic paraplegia type 7. Identifiers: Orphanet 99013, MedGen C1846564, MONDO:0011803, OMIM 607259.

Submission:

Labcorp Genetics (formerly Invitae), Labcorp
Classification: Uncertain significance for Hereditary spastic paraplegia 7. Last evaluated: 2018-01-16. Review status: criteria provided, single submitter. Criteria: Invitae Variant Classification Sherloc (09022015). Collection method: clinical testing. Allele origin: germline.
Comment: This sequence change replaces alanine with proline at codon 519 of the SPG7 protein (p.Ala519Pro). The alanine residue is highly conserved and there is a small physicochemical difference between alanine and proline. In summary, the available evidence is currently insufficient to determine the role of this variant in disease. Therefore, it has been classified as a Variant of Uncertain Significance. Algorithms developed to predict the effect of missense changes on protein structure and function do not agree on the potential impact of this missense change (SIFT: "Deleterious"; PolyPhen-2: "Probably Damaging"; Align-GVGD: "Class C0"). This variant has not been reported in the literature in individuals with SPG7-related disease. This variant is not present in population databases (ExAC no frequency).

NM_003119.4(SPG7):c.1555G>C (p.Ala519Pro)

Gene: SPG7 (SPG7 matrix AAA peptidase subunit, paraplegin; plus strand). Cytogenetic location: 16q24.3.
Variant type: single nucleotide variant.
Coding change: c.1555G>C on transcript NM_003119.4 (MANE Select); coding-DNA position 1555, G replaced by C.
Protein change: p.Ala519Pro; replaces alanine 519 with proline.
Molecular consequence: missense variant.
Genome position (GRCh38, 1-based): chr16:89,548,005, G>C. VCF-style: chr16-89548005-G-C. GRCh37 (hg19) VCF-style: chr16-89614413-G-C.
Other names: c.1555G>C, p.Ala519Pro (NM_001363850.1); short protein forms A519P.
Identifiers: ClinVar variation 577017 (VCV000577017.8), dbSNP rs1423182372, ClinGen allele CA397427391.